The following is an entry in ClinVar:

ClinVar aggregate classification (germline): Uncertain significance (1 of 4 stars; one submission).

Conditions:
Primary ciliary dyskinesia. Also called: Ciliary dyskinesia. Identifiers: Orphanet 244, MedGen C0008780, MONDO:0016575, HP:0012265.

gnomAD v4.1: 9 of 1,613,834 alleles (0.00056%); highest among the groups gnomAD compares: Non-Finnish European, 0.00076%; no homozygotes.

Submission:

Ambry Genetics
Classification: Uncertain significance for Primary ciliary dyskinesia. Last evaluated: 2026-05-14. Review status: criteria provided, single submitter. Criteria: Ambry Variant Classification Scheme 2023. Collection method: clinical testing. Allele origin: germline.
Comment: The p.N3589S variant (also known as c.10766A>G), located in coding exon 66 of the DNAH11 gene, results from an A to G substitution at nucleotide position 10766. The asparagine at codon 3589 is replaced by serine, an amino acid with highly similar properties. This amino acid position is conserved. In addition, this alteration is predicted to be tolerated by in silico analysis. Based on the available evidence, the clinical significance of this variant remains unclear.

NM_001277115.2(DNAH11):c.10766A>G (p.Asn3589Ser)

Gene: DNAH11 (dynein axonemal heavy chain 11; plus strand). Cytogenetic location: 7p15.3.
Variant type: single nucleotide variant.
Coding change: c.10766A>G on transcript NM_001277115.2 (MANE Select); coding-DNA position 10766, A replaced by G.
Protein change: p.Asn3589Ser; replaces asparagine 3589 with serine.
Molecular consequence: missense variant.
Genome position (GRCh38, 1-based): chr7:21,842,618, A>G. VCF-style: chr7-21842618-A-G. GRCh37 (hg19) VCF-style: chr7-21882236-A-G.
Other names: short protein forms N3589S.
Identifiers: ClinVar variation 4242016 (VCV004242016.2).